The following is an entry in ClinVar:

NM_000179.3(MSH6):c.4002-10del

Gene: MSH6 (mutS homolog 6; plus strand). Cytogenetic location: 2p16.3.
Variant type: Deletion.
Coding change: c.4002-10del on transcript NM_000179.3 (MANE Select); 10 bases into the intron before coding-DNA position 4002, one base deleted (T; older notation c.4002-10delT).
Molecular consequence: intron variant.
Genome position (GRCh38, 1-based): chr2:47,806,769, T deleted; the last of 18 consecutive T bases (chr2:47,806,752-47,806,769); deleting any one gives the same sequence. VCF-style (leftmost placement, unchanged base first): chr2-47806751-CT-C. GRCh37 (hg19) VCF-style: chr2-48033890-CT-C.
Other names: c.3096-10del (NM_001281493.2, NM_001281494.2); c.3612-10del (NM_001281492.2); c.4002-10delT (NM_000179.2).
Identifiers: ClinVar variation 89508 (VCV000089508.22), dbSNP rs59056100, ClinGen allele CA015219.
Genomic context (GRCh38, chr2:47,806,751, plus strand): 5'-TTAAGTTTCAAAGAAACAGTAAAAGGGGAAGGGATGATGCACTATGAAAAAACAAAAAAA[CT>C]TTTTTTTTTTTTTTTTTAATTTTAAGGGAAGTTTGCCTGGCTAGTGAAAGGTCAACTGTA-3'

ClinVar aggregate classification (germline): Likely benign. Review status: reviewed by expert panel (3 of 4 stars). 13 submissions from 13 submitters: Likely benign (1). 12 of the submissions do not count toward it. Last evaluated 2013-09-05.

Conditions:
Breast and/or ovarian cancer. Identifiers: MedGen CN221562.
Lynch syndrome 5 (LYNCH5). Also called: Colorectal cancer, hereditary nonpolyposis, type 5; Hereditary non-polyposis colorectal cancer, type 5. Identifiers: Orphanet 144, MedGen C1833477, MONDO:0013710, OMIM 614350. Disease mechanism: loss of function.
Lynch syndrome. Identifiers: Orphanet 144, MedGen C4552100, MONDO:0005835. Disease mechanism: loss of function.

Submissions (13):

International Society for Gastrointestinal Hereditary Tumours (InSiGHT)
Classification: Likely benign for Lynch Syndrome. Last evaluated: 2013-09-05. Review status: reviewed by expert panel. Criteria: Guidelines v1.9. Collection method: research. Allele origin: germline.
Comment: Intronic variant with no effect on splicing & MAF 0.01-1%

Classified with v1.9 guidelines

Center for Genomic Medicine, Rigshospitalet, Copenhagen University Hospital
Classification: Likely benign. Last evaluated: 2025-03-04. Review status: criteria provided, single submitter. Criteria: ACMG Guidelines, 2015. Collection method: clinical testing. Allele origin: germline. Not counted in ClinVar's aggregate classification.

Unidad de Genómica Garrahan, Hospital de Pediatría Garrahan
Classification: Benign. Last evaluated: 2024-01-24. Review status: criteria provided, single submitter. Criteria: ACMG Guidelines, 2015. Collection method: clinical testing. Allele origin: germline. Affected: no. Observed: 52 variant alleles. Not counted in ClinVar's aggregate classification.
Comment: This variant is classified as Benign based on local population frequency. This variant was detected in 55% of patients studied by a panel of primary immunodeficiencies. Number of patients: 52. Only high quality variants are reported.

Quest Diagnostics Nichols Institute San Juan Capistrano
Classification: Benign. Last evaluated: 2023-07-05. Review status: criteria provided, single submitter. Criteria: Quest Diagnostics criteria. Collection method: clinical testing. Allele origin: unknown. Not counted in ClinVar's aggregate classification.

CHEO Genetics Diagnostic Laboratory, Children's Hospital of Eastern Ontario
Classification: Benign for Breast and/or ovarian cancer. Last evaluated: 2021-12-07. Review status: criteria provided, single submitter. Criteria: ACMG Guidelines, 2015. Collection method: clinical testing. Allele origin: germline. Not counted in ClinVar's aggregate classification.

GeneDx
Classification: Benign. Last evaluated: 2019-08-07. Review status: criteria provided, single submitter. Criteria: GeneDx Variant Classification Process June 2021. Collection method: clinical testing. Allele origin: germline. Affected: yes. Not counted in ClinVar's aggregate classification.

Clinical Genetics DNA and cytogenetics Diagnostics Lab, Erasmus MC, Erasmus Medical Center
Classification: Benign for Lynch syndrome 5. Last evaluated: 2015-09-21. Review status: criteria provided, single submitter. Criteria: ACGS Guidelines, 2013. Collection method: clinical testing. Allele origin: germline. Affected: yes. Study: VKGL Data-share Consensus. Not counted in ClinVar's aggregate classification.

Clinical Genetics Laboratory, Department of Pathology, Netherlands Cancer Institute
Classification: Benign. Review status: no assertion criteria provided. Collection method: clinical testing. Allele origin: germline. Affected: yes. Study: VKGL Data-share Consensus. Not counted in ClinVar's aggregate classification.

Department of Pathology and Laboratory Medicine, Sinai Health System
Classification: Benign for Lynch syndrome. Review status: no assertion criteria provided. Collection method: clinical testing. Allele origin: unknown. Affected: yes. Study: The Canadian Open Genetics Repository (COGR). Not counted in ClinVar's aggregate classification.
Comment: The MSH6 c.4002-10delT variant was not identified in the literature nor was it identified in HGMD, COSMIC, MutDB, â€šÃ„ÃºMismatch Repair Genes Variant Databaseâ€šÃ„Ã¹, â€šÃ„ÃºMMR Gene Unclassified Variants Databaseâ€šÃ„Ã¹, â€šÃ„ÃºZhejiang Colon Cancer Databaseâ€šÃ„Ã¹, Gene Insight through the Canadian Open Genetics Repository and UMD databases. The variant was identified in dbSNP (ID: rs267608137) â€šÃ„ÃºWith likely benign allele, in NHLBI Exome Sequencing Project (Exome Variant Server) in 6 of 8244 Europeans Americans (frequency: 0.0007), and the Exome Aggregation Consortium (ExAC) database (released Jan 13, 2015) in 9 of 99520 chromosomes, or 5 individuals from a population of African individuals, 1 from European (Non-Finnish), 1 from Latino, and 2 from South Asian individuals; and none from European (Finnish), East Asian, or Other individuals, increasing the likelihood that this may be a low frequency benign variant in certain populations of origin. The variant was identified in â€šÃ„ÃºInSiGHT Colon Cancer Databaseâ€šÃ„Ã¹ (3X) and in the ClinVar database (classified as likely benign by InSight). The c.4002-10delT variant is located in the 3' splice region but does not affect the invariant -1 and -2 positions. However, positions -3 and -5 to -12 are part of the splicing consensus sequence and variants involving these positions sometimes affect splicing. However, in silico or computational prediction software programs (SpliceSiteFinder, MaxEntScan, NNSPLICE, GeneSplicer, HumanSpliceFinder) do not predict a difference in splicing. In summary, based on the above information, we lean towards a more benign role for this variant. This variant is classified as benign.

Diagnostic Laboratory, Department of Genetics, University Medical Center Groningen
Classification: Benign for Lynch syndrome 5. Review status: no assertion criteria provided. Collection method: clinical testing. Allele origin: germline. Affected: yes. Study: VKGL Data-share Consensus. Not counted in ClinVar's aggregate classification.

Genome Diagnostics Laboratory, University Medical Center Utrecht
Classification: Benign. Review status: no assertion criteria provided. Collection method: clinical testing. Allele origin: germline. Affected: yes. Study: VKGL Data-share Consensus. Not counted in ClinVar's aggregate classification.

Laboratory of Diagnostic Genome Analysis, Leiden University Medical Center (LUMC)
Classification: Likely benign. Review status: no assertion criteria provided. Collection method: clinical testing. Allele origin: germline. Affected: yes. Study: VKGL Data-share Consensus. Not counted in ClinVar's aggregate classification.

Mayo Clinic Laboratories, Mayo Clinic
Classification: Benign. Review status: no assertion criteria provided. Collection method: clinical testing. Allele origin: unknown. Not counted in ClinVar's aggregate classification.